The following is an entry in ClinVar:

NM_138694.4(PKHD1):c.931A>G (p.Thr311Ala)

Gene: PKHD1 (PKHD1 ciliary IPT domain containing fibrocystin/polyductin; minus strand). Cytogenetic location: 6p12.2.
Variant type: single nucleotide variant.
Coding change: c.931A>G on transcript NM_138694.4 (MANE Select); coding-DNA position 931, A replaced by G.
Protein change: p.Thr311Ala; replaces threonine 311 with alanine.
Molecular consequence: missense variant.
Genome position (GRCh38, 1-based): chr6:52,065,000, T>C on the plus strand (A>G on the coding strand, the complement: PKHD1 is on the minus strand). VCF-style: chr6-52065000-T-C. GRCh37 (hg19) VCF-style: chr6-51929798-T-C.
Other names: c.931A>G, p.Thr311Ala (NM_170724.3); short protein forms T311A.
Identifiers: ClinVar variation 554720 (VCV000554720.9), dbSNP rs890884615, ClinGen allele CA3853700.
Genomic context (GRCh38, chr6:52,065,000, plus strand): 5'-TGGTGGCTTCCTTACCTGGCTGAGGGGTGGTGAGCCTCACATCTTTTCCTGGAGCCCGAG[T>C]GGTGCACTCAATCTTCCTGGGAGACACGTGTCTAATATCACATGGAATGCCTAAAGCGAA-3'
Protein context (NP_619639.3, residues 301-321): HVSPRKIECT[Thr311Ala]RAPGKDVRLT

ClinVar aggregate classification (germline): Conflicting classifications of pathogenicity. Review status: criteria provided, conflicting classifications (1 of 4 stars). 3 submissions from 3 submitters: Likely pathogenic (1); Uncertain significance (1). 1 of the submissions does not count toward it. Last evaluated 2025-12-08.

Conditions:
Polycystic kidney disease 4 (PKD4). Also called: Autosomal Recessive Polycystic Kidney Disease – PKHD1; PKD3; POLYCYSTIC KIDNEY DISEASE 4 WITH OR WITHOUT POLYCYSTIC LIVER DISEASE; POLYCYSTIC KIDNEY AND HEPATIC DISEASE 1; POLYCYSTIC KIDNEY DISEASE, INFANTILE, TYPE I. Identifiers: MedGen C4540575, MONDO:0033004, OMIM 263200.
Autosomal recessive polycystic kidney disease (ARPKD). Also called: AR polycystic kidney disease. Identifiers: Orphanet 731, Orphanet 8378, MedGen C0085548, MeSH D017044, MONDO:0009889.

Allele frequency attached by ClinVar (database versions not stated): gnomAD exomes 0.00002 and below 0.00001; ExAC 0.00003; gnomAD 0.00001; TOPMed 0.00001.
gnomAD v4.1: 7 of 1,602,536 alleles (0.00044%); highest among the groups gnomAD compares: Admixed American, 0.0017%; no homozygotes.

Submissions (3):

Myriad Genetics, Inc.
Classification: Uncertain significance for Polycystic kidney disease 4. Last evaluated: 2025-12-08. Review status: criteria provided, single submitter. Criteria: Myriad Autosomal Dominant, Autosomal Recessive and X-Linked Classification Criteria (2023). Collection method: clinical testing. Allele origin: unknown.
Comment: NM_138694.3(PKHD1):c.931A>G(T311A) is a missense variant classified as a variant of uncertain significance in the context of autosomal recessive polycystic kidney disease, PKHD1-related. T311A has been observed in cases with relevant disease (PMID: 33940108, 26385851, 41044823). Relevant functional assessments of this variant are not available in the literature. T311A has been observed in referenced population frequency databases. In summary, there is insufficient evidence to classify NM_138694.3(PKHD1):c.931A>G(T311A) as pathogenic or benign. Please note: this variant was assessed in the context of healthy population screening.

Labcorp Genetics (formerly Invitae), Labcorp
Classification: Likely pathogenic for Autosomal recessive polycystic kidney disease. Last evaluated: 2023-06-04. Review status: criteria provided, single submitter. Criteria: Invitae Variant Classification Sherloc (09022015). Collection method: clinical testing. Allele origin: germline.
Comment: This missense change has been observed in individual(s) with PKHD1-related conditions (PMID: 26385851). In at least one individual the data is consistent with being in trans (on the opposite chromosome) from a pathogenic variant. It has also been observed to segregate with disease in related individuals. ClinVar contains an entry for this variant (Variation ID: 554720). Advanced modeling of protein sequence and biophysical properties (such as structural, functional, and spatial information, amino acid conservation, physicochemical variation, residue mobility, and thermodynamic stability) performed at Invitae indicates that this missense variant is expected to disrupt PKHD1 protein function. In summary, the currently available evidence indicates that the variant is pathogenic, but additional data are needed to prove that conclusively. Therefore, this variant has been classified as Likely Pathogenic. This variant is present in population databases (no rsID available, gnomAD 0.004%). This sequence change replaces threonine, which is neutral and polar, with alanine, which is neutral and non-polar, at codon 311 of the PKHD1 protein (p.Thr311Ala).

Counsyl
Classification: Uncertain significance for Polycystic kidney disease 4. Last evaluated: 2017-11-01. Review status: no assertion criteria provided. Collection method: clinical testing. Allele origin: unknown. Not counted in ClinVar's aggregate classification.

Literature cited by the submitters: PubMed 26385851 (cited by 3 submitters); PubMed 33940108 (cited by Myriad Genetics, Inc.); PubMed 41044823 (cited by Myriad Genetics, Inc.).